The following is an entry in ClinVar:

ClinVar aggregate classification (germline): Pathogenic (1 of 4 stars; one submission).

Conditions:
Carnitine palmitoyltransferase II deficiency. Also called: Carnitine Palmitoyltransferase 2 Deficiency. Identifiers: Orphanet 157, MedGen C0342790, MONDO:0015515.

Submission:

Labcorp Genetics (formerly Invitae), Labcorp
Classification: Pathogenic for Carnitine palmitoyltransferase II deficiency. Last evaluated: 2020-05-27. Review status: criteria provided, single submitter. Criteria: Invitae Variant Classification Sherloc (09022015). Collection method: clinical testing. Allele origin: germline.
Comment: This variant is a gross deletion of the genomic region encompassing exon 1 of the CPT2 gene, which includes the initiator codon. The 5' end of this event is unknown as it extends beyond the assayed region for this gene and therefore may encompass additional genes. The 3' boundary is likely confined to intron 1 of the CPT2 gene. This is expected to result in an absent or disrupted protein product. This variant has not been reported in the literature in individuals with CPT2-related conditions. Loss-of-function variants in CPT2 are known to be pathogenic (PMID: 16781677, 16996287). For these reasons, this variant has been classified as Pathogenic.

Literature cited by the submitters: PubMed 16781677; PubMed 16996287.

NC_000001.11:g.(?_53196934)_(53197105_?)del

Gene: CPT2 (carnitine palmitoyltransferase 2; plus strand). Cytogenetic location: 1p32.3.
Variant type: Deletion.
Identifiers: ClinVar variation 831734 (VCV000831734.4).